The following is an entry in ClinVar:

NM_001037.5(SCN1B):c.250G>A (p.Glu84Lys)

Gene: SCN1B (sodium voltage-gated channel beta subunit 1; plus strand). Cytogenetic location: 19q13.11.
Variant type: single nucleotide variant.
Coding change: c.250G>A on transcript NM_001037.5 (MANE Select); coding-DNA position 250, G replaced by A.
Protein change: p.Glu84Lys; replaces glutamic acid 84 with lysine.
Molecular consequence: missense variant.
Genome position (GRCh38, 1-based): chr19:35,033,541, G>A. VCF-style: chr19-35033541-G-A. GRCh37 (hg19) VCF-style: chr19-35524445-G-A.
Other names: c.151G>A, p.Glu51Lys (NM_001321605.2); c.250G>A, p.Glu84Lys (NM_199037.5); short protein forms E84K, E51K.
Identifiers: ClinVar variation 852686 (VCV000852686.8), dbSNP rs1555720710, ClinGen allele CA405328608.

ClinVar aggregate classification (germline): Uncertain significance. Review status: criteria provided, multiple submitters, no conflicts (2 of 4 stars). 3 submissions from 3 submitters: Uncertain significance (3). Last evaluated 2021-09-20.

Conditions:
Generalized epilepsy with febrile seizures plus, type 1 (GEFSP1). Also called: GEFS+, TYPE 1. Identifiers: Orphanet 36387, MedGen C1858672, MONDO:0011416, OMIM 604233.
Brugada syndrome 5 (BRGDA5). Identifiers: Orphanet 130, Orphanet 871, MedGen C2748541, MONDO:0013015, OMIM 612838.
Developmental and epileptic encephalopathy, 52 (DEE52). Also called: Epileptic encephalopathy, early infantile, 52. Identifiers: MedGen C4479236, MONDO:0033361, OMIM 617350.
Atrial fibrillation, familial, 13 (ATFB13). Identifiers: MedGen C3809311, MONDO:0014155, OMIM 615377.
Cardiovascular phenotype. Identifiers: MedGen CN230736.

Submissions (3):

Fulgent Genetics
Classification: Uncertain significance for Generalized epilepsy with febrile seizures plus, type 1; Brugada syndrome 5; Atrial fibrillation, familial, 13; Developmental and epileptic encephalopathy, 52. Last evaluated: 2021-09-20. Review status: criteria provided, single submitter. Criteria: ACMG Guidelines, 2015. Collection method: clinical testing. Allele origin: unknown.

Labcorp Genetics (formerly Invitae), Labcorp
Classification: Uncertain significance for Brugada syndrome 5. Last evaluated: 2021-09-01. Review status: criteria provided, single submitter. Criteria: Invitae Variant Classification Sherloc (09022015). Collection method: clinical testing. Allele origin: germline.

Ambry Genetics
Classification: Uncertain significance for Cardiovascular phenotype. Last evaluated: 2018-05-11. Review status: criteria provided, single submitter. Criteria: Ambry Variant Classification Scheme 2023. Collection method: clinical testing. Allele origin: germline.
Comment: The p.E84K variant (also known as c.250G>A), located in coding exon 3 of the SCN1B gene, results from a G to A substitution at nucleotide position 250. The glutamic acid at codon 84 is replaced by lysine, an amino acid with similar properties. This amino acid position is highly conserved through mammals but not in all available vertebrate species. In addition, the in silico prediction for this alteration is inconclusive.